The following is an entry in ClinVar:

NM_001184900.3(CARD8):c.273A>T (p.Glu91Asp)

Gene: CARD8 (caspase recruitment domain family member 8; minus strand). Cytogenetic location: 19q13.33.
Variant type: single nucleotide variant.
Coding change: c.273A>T on transcript NM_001184900.3 (MANE Select); coding-DNA position 273, A replaced by T.
Protein change: p.Glu91Asp; replaces glutamic acid 91 with aspartic acid.
Molecular consequence: missense variant. On other transcripts: 5 prime UTR variant (6), non-coding transcript variant (4).
Genome position (GRCh38, 1-based): chr19:48,234,480, T>A on the plus strand (A>T on the coding strand, the complement: CARD8 is on the minus strand). VCF-style: chr19-48234480-T-A. GRCh37 (hg19) VCF-style: chr19-48737737-T-A.
Other names: c.-2A>T (NM_001351784.2, NM_001351787.2, NM_001351791.2 and 2 more transcripts); c.-216A>T (NM_001351786.2); c.123A>T, p.Glu41Asp (NM_001351788.2, NM_001351789.2, NM_014959.5 and 2 more transcripts); c.71A>T, p.Lys24Met (NM_001351790.2); c.-509A>T (NM_001426741.1); c.273A>T, p.Glu91Asp (NM_001184902.2, NM_001184903.1, NM_001351782.2); short protein forms E91D, E41D, K24M.
Identifiers: ClinVar variation 2991131 (VCV002991131.3), dbSNP rs762447434, ClinGen allele CA406647007.

ClinVar aggregate classification (germline): Uncertain significance (1 of 4 stars; one submission).

Allele frequency attached by ClinVar (database versions not stated): gnomAD exomes below 0.00001; TOPMed 0.00001.
gnomAD v4.1: 8 of 1,613,716 alleles (0.0005%); highest among the groups gnomAD compares: East Asian, 0.0022%; no homozygotes.

Submission:

Labcorp Genetics (formerly Invitae), Labcorp
Classification: Uncertain significance. Last evaluated: 2024-10-22. Review status: criteria provided, single submitter. Criteria: Invitae Variant Classification Sherloc (09022015). Collection method: clinical testing. Allele origin: germline.
Comment: This sequence change replaces glutamic acid, which is acidic and polar, with aspartic acid, which is acidic and polar, at codon 41 of the CARD8 protein (p.Glu41Asp). This variant is present in population databases (no rsID available, gnomAD 0.0009%). This variant has not been reported in the literature in individuals affected with CARD8-related conditions. An algorithm developed to predict the effect of missense changes on protein structure and function (PolyPhen-2) suggests that this variant is likely to be tolerated. In summary, the available evidence is currently insufficient to determine the role of this variant in disease. Therefore, it has been classified as a Variant of Uncertain Significance.